The following is an entry in ClinVar:

ClinVar aggregate classification (germline): Likely pathogenic (1 of 4 stars; one submission).

Conditions:
Alport syndrome. Also called: Hemorrhagic familial nephritis; Hemorrhagic hereditary nephritis; Congenital hereditary hematuria. Identifiers: Orphanet 63, MedGen C1567741, MONDO:0018965.

gnomAD v4.1: 13 of 1,608,100 alleles (0.00081%); highest among the groups gnomAD compares: South Asian, 0.015%; no homozygotes.

Submission:

Natera, Inc.
Classification: Likely pathogenic for Alport syndrome. Last evaluated: 2025-08-25. Review status: criteria provided, single submitter. Criteria: Natera Variant Classification Schema (03/2026). Collection method: clinical testing. Allele origin: germline.
Comment: The c.2198G>C variant in COL4A3 is a missense variant predicted to cause substitution of glycine to alanine at amino acid 733. This variant is rare in the general population with a frequency below the threshold expected for the associated phenotype(s). This variant is located in a functionally critical region of the protein. Computational prediction algorithms indicate this variant is likely to affect gene or protein function. Given the available evidence, this variant is classified as Likely Pathogenic.

NM_000091.5(COL4A3):c.2198G>C (p.Gly733Ala)

Genes: COL4A3 (collagen type IV alpha 3 chain; plus strand), MFF-DT (MFF divergent transcript; minus strand). Cytogenetic location: 2q36.3.
Variant type: single nucleotide variant.
Coding change: c.2198G>C on transcript NM_000091.5 (MANE Select); coding-DNA position 2198, G replaced by C.
Protein change: p.Gly733Ala; replaces glycine 733 with alanine.
Molecular consequence: missense variant.
Genome position (GRCh38, 1-based): chr2:227,279,865, G>C. VCF-style: chr2-227279865-G-C. GRCh37 (hg19) VCF-style: chr2-228144581-G-C.
Other names: short protein forms G733A.
Identifiers: ClinVar variation 4817216 (VCV004817216.1).